The following is an entry in ClinVar:

ClinVar aggregate classification (germline): Benign/Likely benign. Review status: criteria provided, multiple submitters, no conflicts (2 of 4 stars). 6 submissions from 6 submitters: Benign (3); Likely benign (3). Last evaluated 2026-01-28.

Conditions:
Autosomal dominant cerebellar ataxia. Also called: Spinocerebellar Ataxia, Dominant. Identifiers: Orphanet 99, MedGen C4087347, MONDO:0020380.
Spinocerebellar ataxia type 29 (SCA29). Also called: CEREBELLAR ATAXIA, CONGENITAL NONPROGRESSIVE, AUTOSOMAL DOMINANT; Spinocerebellar ataxia 29, congenital nonprogressive. Identifiers: Orphanet 208513, MedGen C1861732, MONDO:0007298, OMIM 117360.
Gillespie syndrome (GLSP). Also called: Aniridia, cerebellar ataxia, and mental deficiency; Aniridia-cerebellar ataxia-intellectual disability syndrome. Identifiers: Orphanet 1065, MedGen C0431401, MONDO:0008795, OMIM 206700.
Spinocerebellar ataxia type 15/16 (SCA15). Also called: Spinocerebellar Ataxia Type 15. Identifiers: Orphanet 98769, MedGen C1847725, MONDO:0011694, OMIM 606658.

Allele frequency attached by ClinVar (database versions not stated): gnomAD exomes 0.00121 and 0.00262; ExAC 0.00300; gnomAD 0.00871 and 0.00924; ESP Exome Variant Server 0.00879; 1000 Genomes Project 0.00899; 1000 Genomes Project 30x 0.00999; TOPMed 0.01025.
gnomAD v4.1: 3,179 of 1,609,630 alleles (0.2%); highest among the groups gnomAD compares: African/African-American, 2.9%; 38 homozygotes.

Submissions (6):

Labcorp Genetics (formerly Invitae), Labcorp
Classification: Benign. Last evaluated: 2026-01-28. Review status: criteria provided, single submitter. Criteria: Invitae Variant Classification Sherloc (09022015). Collection method: clinical testing. Allele origin: germline.

Athena Diagnostics
Classification: Benign. Last evaluated: 2024-03-01. Review status: criteria provided, single submitter. Criteria: Athena Diagnostics Criteria. Collection method: clinical testing. Allele origin: unknown.

GeneDx
Classification: Likely benign. Last evaluated: 2022-01-17. Review status: criteria provided, single submitter. Criteria: GeneDx Variant Classification Process June 2021. Collection method: clinical testing. Allele origin: germline. Affected: yes.

Fulgent Genetics
Classification: Likely benign for Spinocerebellar ataxia type 29; Gillespie syndrome; Spinocerebellar ataxia type 15/16. Last evaluated: 2021-09-27. Review status: criteria provided, single submitter. Criteria: ACMG Guidelines, 2015. Collection method: clinical testing. Allele origin: unknown.

Illumina Laboratory Services, Illumina
Classification: Benign for Spinocerebellar Ataxia, Dominant. Last evaluated: 2018-01-12. Review status: criteria provided, single submitter. Criteria: ICSL Variant Classification Criteria 13 December 2019. Collection method: clinical testing. Allele origin: germline.
Comment: This variant was observed in the ICSL laboratory as part of a predisposition screen in an ostensibly healthy population. It had not been previously curated by ICSL or reported in the Human Gene Mutation Database (HGMD: prior to June 1st, 2018), and was therefore a candidate for classification through an automated scoring system. Utilizing variant allele frequency, disease prevalence and penetrance estimates, and inheritance mode, an automated score was calculated to assess if this variant is too frequent to cause the disease. Based on the score and internal cut-off values, a variant classified as benign is not then subjected to further curation. The score for this variant resulted in a classification of benign for this disease.

Breakthrough Genomics
Classification: Likely benign. Review status: criteria provided, single submitter. Criteria: ACMG Guidelines, 2015. Collection method: not provided. Allele origin: germline. Inheritance: Autosomal dominant inheritance. Affected: yes.

NM_001378452.1(ITPR1):c.2433T>A (p.Ile811=)

Gene: ITPR1 (inositol 1,4,5-trisphosphate receptor type 1; plus strand). Cytogenetic location: 3p26.1.
Variant type: single nucleotide variant.
Coding change: c.2433T>A on transcript NM_001378452.1 (MANE Select); coding-DNA position 2433, T replaced by A.
Protein change: p.Ile811=; no amino-acid change (isoleucine 811 retained).
Molecular consequence: synonymous variant.
Genome position (GRCh38, 1-based): chr3:4,673,364, T>A. VCF-style: chr3-4673364-T-A. GRCh37 (hg19) VCF-style: chr3-4715048-T-A.
Other names: c.2433T>A, p.Ile811= (NM_001099952.4); c.2388T>A, p.Ile796= (NM_001168272.2, NM_002222.7).
Identifiers: ClinVar variation 345714 (VCV000345714.21), dbSNP rs145220403, ClinGen allele CA2231412.